The following is an entry in ClinVar:

NM_015898.4(ZBTB7A):c.522dup (p.Ala175fs)

Gene: ZBTB7A (zinc finger and BTB domain containing 7A; minus strand). Cytogenetic location: 19p13.3.
Variant type: Duplication.
Coding change: c.522dup on transcript NM_015898.4 (MANE Select); coding-DNA position 522, one base duplicated (C; older notation c.522dupC).
Protein change: p.Ala175fs; shifts the reading frame from alanine 175.
Molecular consequence: frameshift variant.
Genome position (GRCh38, 1-based): chr19:4,054,711, G duplicated on the plus strand (C on the coding strand, the reverse complement: ZBTB7A is on the minus strand); the first of 6 consecutive G bases (chr19:4,054,711-4,054,716); duplicating any one gives the same sequence. VCF-style (leftmost placement, unchanged base first): chr19-4054710-C-CG. GRCh37 (hg19) VCF-style: chr19-4054708-C-CG.
Other names: c.522dup, p.Ala175fs (NM_001317990.2); short protein forms A175fs.
Identifiers: ClinVar variation 2444215 (VCV002444215.1), dbSNP rs749935719, ClinGen allele CA9090584.

ClinVar aggregate classification (germline): Likely pathogenic (1 of 4 stars; one submission).

Conditions:
Macrocephaly, neurodevelopmental delay, lymphoid hyperplasia, and persistent fetal hemoglobin (MNDLFH). Identifiers: Orphanet 694956, MedGen C5676928, MONDO:0859231, OMIM 619769.

Submission:

3billion
Classification: Likely pathogenic for Macrocephaly, neurodevelopmental delay, lymphoid hyperplasia, and persistent fetal hemoglobin. Last evaluated: 2023-02-23. Review status: criteria provided, single submitter. Criteria: ACMG Guidelines, 2015. Collection method: clinical testing. Allele origin: unknown. Affected: yes.
Comment: The variant is observed at an extremely low frequency in the gnomAD v2.1.1 dataset (total allele frequency: <0.001%). This variant was predicted to result in a loss or disruption of normal protein function through nonsense-mediated decay (NMD) or protein truncation. Multiple pathogenic variants are reported downstream of the variant. Therefore, this variant is classified as Likely pathogenic according to the recommendation of ACMG/AMP guideline.